The following is an entry in ClinVar:

ClinVar aggregate classification (germline): Uncertain significance (1 of 4 stars; one submission).

Submission:

Labcorp Genetics (formerly Invitae), Labcorp
Classification: Uncertain significance. Last evaluated: 2022-10-10. Review status: criteria provided, single submitter. Criteria: Invitae Variant Classification Sherloc (09022015). Collection method: clinical testing. Allele origin: germline.
Comment: In summary, the available evidence is currently insufficient to determine the role of this variant in disease. Therefore, it has been classified as a Variant of Uncertain Significance. Advanced modeling of protein sequence and biophysical properties (such as structural, functional, and spatial information, amino acid conservation, physicochemical variation, residue mobility, and thermodynamic stability) performed at Invitae indicates that this missense variant is not expected to disrupt CEP97 protein function. This variant has not been reported in the literature in individuals affected with CEP97-related conditions. This variant is not present in population databases (gnomAD no frequency). This sequence change replaces serine, which is neutral and polar, with cysteine, which is neutral and slightly polar, at codon 813 of the CEP97 protein (p.Ser813Cys).

NM_024548.4(CEP97):c.2438C>G (p.Ser813Cys)

Gene: CEP97 (centrosomal protein 97; plus strand). Cytogenetic location: 3q12.3.
Variant type: single nucleotide variant.
Coding change: c.2438C>G on transcript NM_024548.4 (MANE Select); coding-DNA position 2438, C replaced by G.
Protein change: p.Ser813Cys; replaces serine 813 with cysteine.
Molecular consequence: missense variant.
Genome position (GRCh38, 1-based): chr3:101,765,391, C>G. VCF-style: chr3-101765391-C-G. GRCh37 (hg19) VCF-style: chr3-101484235-C-G.
Other names: c.2261C>G, p.Ser754Cys (NM_001303401.2); c.2336C>G, p.Ser779Cys (NM_001410784.1); c.2159C>G, p.Ser720Cys (NM_001410785.1); short protein forms S720C, S813C, S754C, S779C.
Identifiers: ClinVar variation 2028892 (VCV002028892.4), dbSNP rs2545853505, ClinGen allele CA353882116.